The following is an entry in ClinVar:

ClinVar aggregate classification (germline): Uncertain significance (1 of 4 stars; one submission).

Submission:

GeneDx
Classification: Uncertain significance. Last evaluated: 2024-07-12. Review status: criteria provided, single submitter. Criteria: GeneDx Variant Classification Process June 2021. Collection method: clinical testing. Allele origin: germline. Affected: yes.
Comment: Has not been previously published as pathogenic or benign to our knowledge; In silico analysis is inconclusive as to whether the variant alters gene splicing. In the absence of RNA/functional studies, the actual effect of this sequence change is unknown.

NM_001330288.2(SMARCC2):c.955_956+6dup

Gene: SMARCC2 (SWI/SNF related BAF chromatin remodeling complex subunit C2; minus strand). Cytogenetic location: 12q13.2.
Variant type: Duplication.
Coding change: c.955_956+6dup on transcript NM_001330288.2 (MANE Select); coding-DNA position 955 through 6 bases into the intron after coding-DNA position 956, 8 bases duplicated (GGGTGTGC; older notation c.955_956+6dupGGGTGTGC).
Molecular consequence: splice donor variant.
Genome position (GRCh38, 1-based): chr12:56,181,476-56,181,483, GCACACCC duplicated on the plus strand (GGGTGTGC on the coding strand, the reverse complement: SMARCC2 is on the minus strand). VCF-style (leftmost placement, unchanged base first): chr12-56181475-G-GGCACACCC. GRCh37 (hg19) VCF-style: chr12-56575259-G-GGCACACCC.
Other names: c.955_956+6dup (NM_003075.5, NM_139067.4, NM_001130420.3).
Identifiers: ClinVar variation 3573698 (VCV003573698.1).